The following is an entry in ClinVar:

ClinVar aggregate classification (germline): Conflicting classifications of pathogenicity. Review status: criteria provided, conflicting classifications (1 of 4 stars). 4 submissions from 4 submitters: Uncertain significance (1); Benign (1). 2 of the submissions do not count toward it. Last evaluated 2025-01-10.

Conditions:
Hereditary pancreatitis (PCTT). Also called: PRSS1-Related Hereditary Pancreatitis; Hereditary chronic pancreatitis. Identifiers: Orphanet 676, MedGen C0238339, MONDO:0008185, OMIM 167800.

Allele frequency attached by ClinVar (database versions not stated): gnomAD exomes 0.00003; gnomAD 0.00007; 1000 Genomes Project 30x 0.00109; ExAC 0.49974.

Submissions (4):

GeneDx
Classification: Uncertain significance. Last evaluated: 2025-01-10. Review status: criteria provided, single submitter. Criteria: GeneDx Variant Classification Process June 2021. Collection method: clinical testing. Allele origin: germline. Affected: yes.
Comment: Not observed at significant frequency in large population cohorts (gnomAD); In silico analysis indicates that this missense variant does not alter protein structure/function; Has not been previously published as pathogenic or benign to our knowledge

Labcorp Genetics (formerly Invitae), Labcorp
Classification: Benign for Hereditary pancreatitis. Last evaluated: 2024-06-17. Review status: criteria provided, single submitter. Criteria: Invitae Variant Classification Sherloc (09022015). Collection method: clinical testing. Allele origin: germline.

Diagnostic Laboratory, Department of Genetics, University Medical Center Groningen
Classification: Benign for Hereditary pancreatitis. Review status: no assertion criteria provided. Collection method: clinical testing. Allele origin: germline. Affected: yes. Study: VKGL Data-share Consensus. Not counted in ClinVar's aggregate classification.

Genome Diagnostics Laboratory, University Medical Center Utrecht
Classification: Benign. Review status: no assertion criteria provided. Collection method: clinical testing. Allele origin: germline. Affected: yes. Study: VKGL Data-share Consensus. Not counted in ClinVar's aggregate classification.

NM_002769.5(PRSS1):c.542G>A (p.Ser181Asn)

Genes: TRB (T cell receptor beta locus; plus strand), PRSS1 (serine protease 1; plus strand). Cytogenetic location: 7q34.
Variant type: single nucleotide variant.
Coding change: c.542G>A on transcript NM_002769.5 (MANE Select); coding-DNA position 542, G replaced by A.
Protein change: p.Ser181Asn; replaces serine 181 with asparagine.
Molecular consequence: missense variant.
Genome position (GRCh38, 1-based): chr7:142,752,518, G>A. VCF-style: chr7-142752518-G-A. GRCh37 (hg19) VCF-style: chr7-142460369-G-A.
Other names: short protein forms S181N.
Identifiers: ClinVar variation 518382 (VCV000518382.5), dbSNP rs201719096, ClinGen allele CA4530055.
Genomic context (GRCh38, chr7:142,752,518, plus strand): 5'-TGGATGCTCCTGTGCTGAGCCAGGCTAAGTGTGAAGCCTCCTACCCTGGAAAGATTACCA[G>A]CAACATGTTCTGTGTGGGCTTCCTTGAGGGAGGCAAGGATTCATGTCAGGTGATTTGACC-3'
Protein context (NP_002760.1, residues 171-191): CEASYPGKIT[Ser181Asn]NMFCVGFLEG